The following is an entry in ClinVar:

ClinVar aggregate classification (germline): Likely benign (1 of 4 stars; one submission).

gnomAD v4.1: 4 of 1,613,912 alleles (0.00025%); highest among the groups gnomAD compares: African/African-American, 0.0053%; no homozygotes.

Submission:

CeGaT Center for Human Genetics Tuebingen
Classification: Likely benign. Last evaluated: 2026-03-01. Review status: criteria provided, single submitter. Criteria: CeGaT Center For Human Genetics Tuebingen Variant Classification Criteria Version 2. Collection method: clinical testing. Allele origin: germline. Affected: yes. Observed: 1 variant allele.
Comment: MAST1: PP2, BS2

NM_014975.3(MAST1):c.1573A>G (p.Ser525Gly)

Gene: MAST1 (microtubule associated serine/threonine kinase 1; plus strand). Cytogenetic location: 19p13.13.
Variant type: single nucleotide variant.
Coding change: c.1573A>G on transcript NM_014975.3 (MANE Select); coding-DNA position 1573, A replaced by G.
Protein change: p.Ser525Gly; replaces serine 525 with glycine.
Molecular consequence: missense variant.
Genome position (GRCh38, 1-based): chr19:12,865,113, A>G. VCF-style: chr19-12865113-A-G. GRCh37 (hg19) VCF-style: chr19-12975927-A-G.
Other names: short protein forms S525G.
Identifiers: ClinVar variation 4823601 (VCV004823601.4).
Genomic context (GRCh38, chr19:12,865,113, plus strand): 5'-ATCACCTCCATGGGTCACATCAAGCTCACAGATTTCGGCCTCTCCAAGATGGGGCTCATG[A>G]GCCTCACCACCAACTTATATGAAGGCCACATCGAGAAGGACGCCCGAGAGTTCCTGGACA-3'
Protein context (NP_055790.1, residues 515-535): DFGLSKMGLM[Ser525Gly]LTTNLYEGHI